The following is an entry in ClinVar:

NM_000254.3(MTR):c.2044-12dup

Gene: MTR (5-methyltetrahydrofolate-homocysteine methyltransferase; plus strand). Cytogenetic location: 1q43.
Variant type: Duplication.
Coding change: c.2044-12dup on transcript NM_000254.3 (MANE Select); 12 bases into the intron before coding-DNA position 2044, one base duplicated (T; older notation c.2044-12dupT).
Molecular consequence: intron variant.
Genome position (GRCh38, 1-based): chr1:236,861,113, T duplicated; the last of 16 consecutive T bases (chr1:236,861,098-236,861,113); duplicating any one gives the same sequence. VCF-style (leftmost placement, unchanged base first): chr1-236861097-C-CT. GRCh37 (hg19) VCF-style: chr1-237024397-C-CT.
Other names: p.?; c.2044-1123dup (NM_001291939.1); c.2044-12dup (NM_001410942.1); c.823-12dup (NM_001291940.2).
Identifiers: ClinVar variation 4684364 (VCV004684364.1).
Genomic context (GRCh38, chr1:236,861,097, plus strand): 5'-GATGGCTCTGTGGAGGTAAGGCAGTTTTTTAGGTGATTTTTTTTTTCTTTCTTTCTTTTT[C>CT]TTTTTTTTTTTTTTTTGTCTTTTTTAGGGCATTGAAAAACATATTATTGAGGATACTGAG-3'

ClinVar aggregate classification (germline): Likely benign (1 of 4 stars; one submission).

Submission:

Mayo Clinic Laboratories, Mayo Clinic
Classification: Likely benign. Last evaluated: 2025-08-20. Review status: criteria provided, single submitter. Criteria: ACMG Guidelines, 2015. Collection method: clinical testing. Allele origin: germline. Observed: 8 variant alleles.
Comment: BP4, BP7